The following is an entry in ClinVar:

ClinVar aggregate classification (germline): Uncertain significance. Review status: criteria provided, multiple submitters, no conflicts (2 of 4 stars). 2 submissions from 2 submitters: Uncertain significance (2). Last evaluated 2026-07-19.

Conditions:
Inborn genetic diseases. Identifiers: MedGen C0950123, MeSH D030342.

Submissions (2):

Ambry Genetics
Classification: Uncertain significance for Inborn genetic diseases. Last evaluated: 2026-07-19. Review status: criteria provided, single submitter. Criteria: Ambry Variant Classification Scheme 2023. Collection method: clinical testing. Allele origin: germline.

Labcorp Genetics (formerly Invitae), Labcorp
Classification: Uncertain significance. Last evaluated: 2022-06-13. Review status: criteria provided, single submitter. Criteria: Invitae Variant Classification Sherloc (09022015). Collection method: clinical testing. Allele origin: germline.
Comment: This sequence change replaces valine, which is neutral and non-polar, with phenylalanine, which is neutral and non-polar, at codon 2877 of the PCLO protein (p.Val2877Phe). This variant is not present in population databases (gnomAD no frequency). This variant has not been reported in the literature in individuals affected with PCLO-related conditions. Algorithms developed to predict the effect of missense changes on protein structure and function are either unavailable or do not agree on the potential impact of this missense change (SIFT: "Tolerated"; PolyPhen-2: "Not Available"; Align-GVGD: "Class C0"). In summary, the available evidence is currently insufficient to determine the role of this variant in disease. Therefore, it has been classified as a Variant of Uncertain Significance.

NM_033026.6(PCLO):c.8629G>T (p.Val2877Phe)

Gene: PCLO (piccolo presynaptic cytomatrix protein; minus strand). Cytogenetic location: 7q21.11.
Variant type: single nucleotide variant.
Coding change: c.8629G>T on transcript NM_033026.6 (MANE Select); coding-DNA position 8629, G replaced by T.
Protein change: p.Val2877Phe; replaces valine 2877 with phenylalanine.
Molecular consequence: missense variant.
Genome position (GRCh38, 1-based): chr7:82,952,324, C>A on the plus strand (G>T on the coding strand, the complement: PCLO is on the minus strand). VCF-style: chr7-82952324-C-A. GRCh37 (hg19) VCF-style: chr7-82581640-C-A.
Other names: c.8629G>T, p.Val2877Phe (NM_014510.3); c.8629G>T (NM_033026.5); short protein forms V2877F.
Identifiers: ClinVar variation 1508942 (VCV001508942.6), dbSNP rs2116432815, ClinGen allele CA367910601.